The following is an entry in ClinVar:

NM_020719.3(PRR12):c.3079C>G (p.Leu1027Val)

Gene: PRR12 (proline rich 12; plus strand). Cytogenetic location: 19q13.33.
Variant type: single nucleotide variant.
Coding change: c.3079C>G on transcript NM_020719.3 (MANE Select); coding-DNA position 3079, C replaced by G.
Protein change: p.Leu1027Val; replaces leucine 1027 with valine.
Molecular consequence: missense variant.
Genome position (GRCh38, 1-based): chr19:49,597,414, C>G. VCF-style: chr19-49597414-C-G. GRCh37 (hg19) VCF-style: chr19-50100671-C-G.
Other names: short protein forms L1027V.
Identifiers: ClinVar variation 1804360 (VCV001804360.1), dbSNP rs2514274368, ClinGen allele CA406877874.
Genomic context (GRCh38, chr19:49,597,414, plus strand): 5'-GGCCTGGGCCTGGACCCCAACAAACCGCCTGAACTGCCCTCCACGGTCAACGCCGAGCCG[C>G]TGGGCCTGATCCAGAGTGGCCCCCACCAGGCGGCGCCACCACCCCCGCCTCCGCCACCGC-3'
Protein context (NP_065770.1, residues 1017-1037): ELPSTVNAEP[Leu1027Val]GLIQSGPHQA

ClinVar aggregate classification (germline): Uncertain significance (1 of 4 stars; one submission).

Submission:

GeneDx
Classification: Uncertain significance. Last evaluated: 2022-06-13. Review status: criteria provided, single submitter. Criteria: GeneDx Variant Classification Process June 2021. Collection method: clinical testing. Allele origin: germline. Affected: yes.
Comment: Not observed at significant frequency in large population cohorts (gnomAD); In silico analysis supports that this missense variant does not alter protein structure/function; Has not been previously published as pathogenic or benign to our knowledge